The following is an entry in ClinVar:

NM_001048174.2(MUTYH):c.683C>G (p.Thr228Ser)

Gene: MUTYH (mutY DNA glycosylase; minus strand). Cytogenetic location: 1p34.1.
Variant type: single nucleotide variant.
Coding change: c.683C>G on transcript NM_001048174.2 (MANE Select); coding-DNA position 683, C replaced by G.
Protein change: p.Thr228Ser; replaces threonine 228 with serine.
Molecular consequence: missense variant. On other transcripts: non-coding transcript variant (2).
Genome position (GRCh38, 1-based): chr1:45,332,412, G>C on the plus strand (C>G on the coding strand, the complement: MUTYH is on the minus strand). VCF-style: chr1-45332412-G-C. GRCh37 (hg19) VCF-style: chr1-45798084-G-C.
Other names: p.Thr256Ser; c.683C>G, p.Thr228Ser (NM_001048171.2, NM_001048173.2, NM_001293195.2); c.686C>G, p.Thr229Ser (NM_001048172.2); c.767C>G, p.Thr256Ser (NM_001128425.2); c.728C>G, p.Thr243Ser (NM_001293190.2); c.716C>G, p.Thr239Ser (NM_001293191.2); c.407C>G, p.Thr136Ser (NM_001293192.2, NM_001293196.2); c.338C>G, p.Thr113Ser (NM_001350650.2, NM_001350651.2); and 1 more; short protein forms T229S, T253S, T113S, T136S, T228S, T256S, T239S, T243S.
Identifiers: ClinVar variation 927154 (VCV000927154.14), dbSNP rs766173546, ClinGen allele CA059012.
Genomic context (GRCh38, chr1:45,332,412, plus strand): 5'-AGACACCCCTGAAGCACCCTTGTTACCCCAACATCCTACCAGAGCTGCTGGGAAACAAGG[G>C]TGCTGCTGGGATCAGCACCAATGGCTCGGACACGGCACAGCACCCGTGCTACGTTGCCAT-3'
Protein context (NP_001041639.1, residues 218-238): VRAIGADPSS[Thr228Ser]LVSQQLWGLA

ClinVar aggregate classification (germline): Conflicting classifications of pathogenicity. Review status: criteria provided, conflicting classifications (1 of 4 stars). 6 submissions from 6 submitters: Uncertain significance (5); Benign (1). Last evaluated 2025-09-16.

Conditions:
Familial adenomatous polyposis 2. Also called: Adenomas, multiple colorectal; MUTYH Polyposis; COLORECTAL ADENOMATOUS POLYPOSIS, AUTOSOMAL RECESSIVE; ADENOMAS, MULTIPLE COLORECTAL, AUTOSOMAL RECESSIVE; MUTYH-associated polyposis; MUTYH-related attenuated familial adenomatous polyposis. Identifiers: Orphanet 220460, Orphanet 247798, MedGen C3272841, MONDO:0012041, OMIM 608456.
Hereditary cancer-predisposing syndrome. Also called: Neoplastic Syndromes, Hereditary; Tumor predisposition; Hereditary Cancer Syndrome; Hereditary neoplastic syndrome. Identifiers: Orphanet 140162, MedGen C0027672, MeSH D009386, MONDO:0015356.

gnomAD v4.1: 1 of 1,614,160 alleles (0.000062%); highest among the groups gnomAD compares: African/African-American, 0.0013%; no homozygotes.

Submissions (6):

Ambry Genetics
Classification: Benign for Hereditary cancer-predisposing syndrome. Last evaluated: 2025-09-16. Review status: criteria provided, single submitter. Criteria: Ambry Variant Classification Scheme 2023. Collection method: clinical testing. Allele origin: germline.

Labcorp Genetics (formerly Invitae), Labcorp
Classification: Uncertain significance for Familial adenomatous polyposis 2. Last evaluated: 2025-07-30. Review status: criteria provided, single submitter. Criteria: Invitae Variant Classification Sherloc (09022015). Collection method: clinical testing. Allele origin: germline.
Comment: This sequence change replaces threonine, which is neutral and polar, with serine, which is neutral and polar, at codon 256 of the MUTYH protein (p.Thr256Ser). This variant is present in population databases (rs766173546, gnomAD no frequency). This variant has not been reported in the literature in individuals affected with MUTYH-related conditions. ClinVar contains an entry for this variant (Variation ID: 927154). An algorithm developed to predict the effect of missense changes on protein structure and function outputs the following: PolyPhen-2: "Benign". The serine amino acid residue is found in multiple mammalian species, which suggests that this missense change does not adversely affect protein function. In summary, the available evidence is currently insufficient to determine the role of this variant in disease. Therefore, it has been classified as a Variant of Uncertain Significance.

GeneDx
Classification: Uncertain significance. Last evaluated: 2024-12-06. Review status: criteria provided, single submitter. Criteria: GeneDx Variant Classification Process June 2021. Collection method: clinical testing. Allele origin: germline. Affected: yes.
Comment: Not observed at significant frequency in large population cohorts (gnomAD); In silico analysis indicates that this missense variant does not alter protein structure/function; Has not been previously published as pathogenic or benign to our knowledge; This variant is associated with the following publications: (PMID: 11801590, 23108399)

Mayo Clinic Laboratories, Mayo Clinic
Classification: Uncertain significance. Last evaluated: 2024-05-03. Review status: criteria provided, single submitter. Criteria: ACMG Guidelines, 2015. Collection method: clinical testing. Allele origin: germline. Observed: 1 variant allele.
Comment: BP4, PM2

All of Us Research Program, National Institutes of Health
Classification: Uncertain significance for Familial adenomatous polyposis 2. Last evaluated: 2024-01-11. Review status: criteria provided, single submitter. Criteria: ACMG Guidelines, 2015. Collection method: clinical testing. Allele origin: germline. Inheritance: Autosomal recessive inheritance. Observed: 1 variant allele, 1 heterozygote.
Comment: This study involves interpretation of variants in research participants for the purpose of population health screening. Participant phenotype was not available at the time of variant classification. Additional details can be found in publication PMID: 35346344, PMCID: PMC8962531

Color Diagnostics, LLC DBA Color Health
Classification: Uncertain significance for Hereditary cancer-predisposing syndrome. Last evaluated: 2023-12-05. Review status: criteria provided, single submitter. Criteria: ACMG Guidelines, 2015. Collection method: clinical testing. Allele origin: germline.
Comment: This missense variant replaces threonine with serine at codon 256 of the MUTYH protein. Computational prediction suggests that this variant may not impact protein structure and function (internally defined REVEL score threshold <= 0.5, PMID: 27666373). To our knowledge, functional studies have not been reported for this variant. This variant has not been reported in individuals affected with MUTYH-related disorders in the literature. This variant has not been identified in the general population by the Genome Aggregation Database (gnomAD). The available evidence is insufficient to determine the role of this variant in disease conclusively. Therefore, this variant is classified as a Variant of Uncertain Significance.